The following is an entry in ClinVar:

NM_000535.7(PMS2):c.1050T>G (p.Leu350=)

Gene: PMS2 (PMS1 homolog 2, mismatch repair system component; minus strand). Cytogenetic location: 7p22.1.
Variant type: single nucleotide variant.
Coding change: c.1050T>G on transcript NM_000535.7 (MANE Select); coding-DNA position 1050, T replaced by G.
Protein change: p.Leu350=; no amino-acid change (leucine 350 retained).
Molecular consequence: synonymous variant. On other transcripts: non-coding transcript variant (1), intron variant (10).
Genome position (GRCh38, 1-based): chr7:5,989,894, A>C on the plus strand (T>G on the coding strand, the complement: PMS2 is on the minus strand). VCF-style: chr7-5989894-A-C. GRCh37 (hg19) VCF-style: chr7-6029525-A-C.
Other names: c.645T>G, p.Leu215= (NM_001322003.2, NM_001322004.2, NM_001322005.2 and 16 more transcripts); c.732T>G, p.Leu244= (NM_001322007.2, NM_001322008.2, NM_001406876.1 and 2 more transcripts); c.117T>G, p.Leu39= (NM_001322011.2, NM_001322012.2); c.477T>G, p.Leu159= (NM_001322013.2, NM_001406909.1); c.1050T>G, p.Leu350= (NM_001322014.2, NM_001406871.1, NM_001406872.1); c.741T>G, p.Leu247= (NM_001322015.2, NM_001406875.1, NM_001406877.1 and 5 more transcripts); c.1236T>G, p.Leu412= (NM_001406866.1); c.1074T>G, p.Leu358= (NM_001406868.1); and 13 more.
Identifiers: ClinVar variation 3421535 (VCV003421535.2).
Genomic context (GRCh38, chr7:5,989,894, plus strand): 5'-TAGCTTGTTGACATCACTATCAAACATTCCTATCAAAGAGGTCTTTAAAACTGCCAACAA[A>C]AGCTTTTCCTCTTGTAGCAAAATTTGCCTTTTATCTGGAGTAACATTGATATCAACGCAT-3'
Protein context (NP_000526.2, residues 340-360): KRQILLQEEK[Leu350=]LLAVLKTSLI

ClinVar aggregate classification (germline): Benign/Likely benign. Review status: criteria provided, multiple submitters, no conflicts (2 of 4 stars). 2 submissions from 2 submitters: Benign (1); Likely benign (1). Last evaluated 2025-01-29.

Conditions:
Hereditary cancer-predisposing syndrome. Also called: Neoplastic Syndromes, Hereditary; Tumor predisposition; Hereditary Cancer Syndrome; Hereditary neoplastic syndrome. Identifiers: Orphanet 140162, MedGen C0027672, MeSH D009386, MONDO:0015356.
Lynch syndrome 4 (LYNCH4). Also called: Colorectal cancer, hereditary nonpolyposis, type 4; Hereditary non-polyposis colorectal cancer, type 4. Identifiers: Orphanet 144, MedGen C1838333, MONDO:0013699, OMIM 614337. Disease mechanism: loss of function.

Submissions (2):

Myriad Genetics, Inc.
Classification: Benign for Lynch syndrome 4. Last evaluated: 2025-01-29. Review status: criteria provided, single submitter. Criteria: Myriad Autosomal Dominant, Autosomal Recessive and X-Linked Classification Criteria (2023). Collection method: clinical testing. Allele origin: unknown.
Comment: This variant is considered benign. This variant is a silent/synonymous amino acid change and it is not expected to impact splicing.

Ambry Genetics
Classification: Likely benign for Hereditary cancer-predisposing syndrome. Last evaluated: 2024-11-14. Review status: criteria provided, single submitter. Criteria: Ambry Variant Classification Scheme 2023. Collection method: clinical testing. Allele origin: germline.